The following is an entry in ClinVar:

ClinVar aggregate classification (germline): Conflicting classifications of pathogenicity. Review status: criteria provided, conflicting classifications (1 of 4 stars). 2 submissions from 2 submitters: Uncertain significance (1); Benign (1). Last evaluated 2026-03-22.

Conditions:
Tuberous sclerosis 2 (TSC2). Identifiers: Orphanet 805, MedGen C1860707, MONDO:0013199, OMIM 613254.
Hereditary cancer-predisposing syndrome. Also called: Hereditary neoplastic syndrome; Neoplastic Syndromes, Hereditary; Tumor predisposition; Hereditary Cancer Syndrome. Identifiers: Orphanet 140162, MedGen C0027672, MeSH D009386, MONDO:0015356.

gnomAD v4.1: 1 of 1,613,560 alleles (0.000062%); no homozygotes.

Submissions (2):

Ambry Genetics
Classification: Uncertain significance for Hereditary cancer-predisposing syndrome. Last evaluated: 2026-03-22. Review status: criteria provided, single submitter. Criteria: Ambry Variant Classification Scheme 2023. Collection method: clinical testing. Allele origin: germline.
Comment: The p.S625P variant (also known as c.1873T>C), located in coding exon 17 of the TSC2 gene, results from a T to C substitution at nucleotide position 1873. The serine at codon 625 is replaced by proline, an amino acid with similar properties. This amino acid position is conserved. In addition, this alteration is predicted to be deleterious by in silico analysis. Based on the available evidence, the clinical significance of this variant remains unclear.

Labcorp Genetics (formerly Invitae), Labcorp
Classification: Benign for Tuberous sclerosis 2. Last evaluated: 2025-02-12. Review status: criteria provided, single submitter. Criteria: Invitae Variant Classification Sherloc (09022015). Collection method: clinical testing. Allele origin: germline.

NM_000548.5(TSC2):c.1873T>C (p.Ser625Pro)

Gene: TSC2 (TSC complex subunit 2; plus strand). Cytogenetic location: 16p13.3.
Variant type: single nucleotide variant.
Coding change: c.1873T>C on transcript NM_000548.5 (MANE Select); coding-DNA position 1873, T replaced by C.
Protein change: p.Ser625Pro; replaces serine 625 with proline.
Molecular consequence: missense variant. On other transcripts: non-coding transcript variant (5).
Genome position (GRCh38, 1-based): chr16:2,071,543, T>C. VCF-style: chr16-2071543-T-C. GRCh37 (hg19) VCF-style: chr16-2121544-T-C.
Other names: c.1273T>C, p.Ser425Pro (NM_001406686.1, NM_001406687.1, NM_001406688.1 and 6 more transcripts); c.529T>C, p.Ser177Pro (NM_001406689.1, NM_001406690.1, NM_001406691.1 and 6 more transcripts); c.1873T>C, p.Ser625Pro (NM_001406663.1, NM_001406664.1, NM_001406665.1 and 6 more transcripts); c.1963T>C, p.Ser655Pro (NM_001406667.1, NM_001406668.1); c.1762T>C, p.Ser588Pro (NM_001406670.1, NM_001318827.2, NM_001406678.1); c.1861T>C, p.Ser621Pro (NM_001406671.1, NM_001406673.1); c.1726T>C, p.Ser576Pro (NM_001406675.1, NM_001406676.1, NM_001318829.2 and 1 more transcripts); c.1906T>C, p.Ser636Pro (NM_001318832.2); and 3 more; short protein forms S177P, S91P, S471P, S576P, S621P, S425P, S588P, S636P.
Identifiers: ClinVar variation 4774904 (VCV004774904.2).
Genomic context (GRCh38, chr16:2,071,543, plus strand): 5'-TGGCTTTCACCATCCTCTTCCTGACAGGCCTTTGACTTCCTGTTGCTGCTGCGGGCCGAC[T>C]CACTGCACCGCCTGGGCCTGCCCAACAAGGATGGAGTCGTGCGGTTCAGCCCCTACTGCG-3'
Protein context (NP_000539.2, residues 615-635): FDFLLLLRAD[Ser625Pro]LHRLGLPNKD